The following is an entry in ClinVar:

NM_000548.5(TSC2):c.668A>G (p.Asp223Gly)

Gene: TSC2 (TSC complex subunit 2; plus strand). Cytogenetic location: 16p13.3.
Variant type: single nucleotide variant.
Coding change: c.668A>G on transcript NM_000548.5 (MANE Select); coding-DNA position 668, A replaced by G.
Protein change: p.Asp223Gly; replaces aspartic acid 223 with glycine.
Molecular consequence: missense variant.
Genome position (GRCh38, 1-based): chr16:2,056,663, A>G. VCF-style: chr16-2056663-A-G. GRCh37 (hg19) VCF-style: chr16-2106664-A-G.
Other names: c.668A>G, p.Asp223Gly (NM_001077183.3, NM_001114382.3, NM_001363528.2 and 6 more transcripts); c.557A>G, p.Asp186Gly (NM_001318827.2, NM_001406670.1, NM_001406678.1); c.521A>G, p.Asp174Gly (NM_001318829.2, NM_001406675.1, NM_001406676.1 and 1 more transcripts); c.68A>G, p.Asp23Gly (NM_001318831.2, NM_001406680.1, NM_001406682.1 and 6 more transcripts); c.701A>G, p.Asp234Gly (NM_001318832.2); c.758A>G, p.Asp253Gly (NM_001406667.1, NM_001406668.1); c.656A>G, p.Asp219Gly (NM_001406671.1, NM_001406673.1); c.611A>G, p.Asp204Gly (NM_001406677.1); and 4 more; short protein forms D223G, D219G, D234G, D23G, D69G, D174G, D186G, D204G.
Identifiers: ClinVar variation 1951013 (VCV001951013.8), dbSNP rs2151078058, ClinGen allele CA394312433.
Genomic context (GRCh38, chr16:2,056,663, plus strand): 5'-GCTGGGGTAGGACGGGCGTGAGCCGTCTCCCTCTCCACCAGGTCTCCCTGCAGGTGCTGG[A>G]CGCCGTGGTCTGCTACAACTGCCTGCCGGCTGAGAGCCTCCCGCTGTTCATCGTTACCCT-3'
Protein context (NP_000539.2, residues 213-233): VDIEVSLQVL[Asp223Gly]AVVCYNCLPA

ClinVar aggregate classification (germline): Uncertain significance. Review status: criteria provided, multiple submitters, no conflicts (2 of 4 stars). 3 submissions from 3 submitters: Uncertain significance (3). Last evaluated 2023-06-08.

Conditions:
Hereditary cancer-predisposing syndrome. Also called: Tumor predisposition; Hereditary neoplastic syndrome; Hereditary Cancer Syndrome; Neoplastic Syndromes, Hereditary. Identifiers: Orphanet 140162, MedGen C0027672, MeSH D009386, MONDO:0015356.
Tuberous sclerosis 2 (TSC2). Identifiers: Orphanet 805, MedGen C1860707, MONDO:0013199, OMIM 613254.
Tuberous sclerosis syndrome (TSC). Also called: Tuberous Sclerosis Complex; Tuberous sclerosis. Identifiers: Orphanet 805, MedGen C0041341, MONDO:0001734.

Submissions (3):

All of Us Research Program, National Institutes of Health
Classification: Uncertain significance for Tuberous sclerosis syndrome. Last evaluated: 2023-06-08. Review status: criteria provided, single submitter. Criteria: ACMG Guidelines, 2015. Collection method: clinical testing. Allele origin: germline. Inheritance: Autosomal dominant inheritance. Observed: 1 variant allele, 1 heterozygote.
Comment: This missense variant replaces aspartic acid with glycine at codon 223 of the TSC2 protein. Computational prediction suggests that this variant may have deleterious impact on protein structure and function (internally defined REVEL score threshold >= 0.7, PMID: 27666373). To our knowledge, functional studies have not been reported for this variant. This variant has not been reported in individuals affected with TSC2-related disorders in the literature. This variant has not been identified in the general population by the Genome Aggregation Database (gnomAD). The available evidence is insufficient to determine the role of this variant in disease conclusively. Therefore, this variant is classified as a Variant of Uncertain Significance.

This study involves interpretation of variants in research participants for the purpose of population health screening. Participant phenotype was not available at the time of variant classification. Additional details can be found in publication PMID: 35346344, PMCID: PMC8962531

Ambry Genetics
Classification: Uncertain significance for Hereditary cancer-predisposing syndrome. Last evaluated: 2023-03-30. Review status: criteria provided, single submitter. Criteria: Ambry Variant Classification Scheme 2023. Collection method: clinical testing. Allele origin: germline.
Comment: The p.D223G variant (also known as c.668A>G), located in coding exon 7 of the TSC2 gene, results from an A to G substitution at nucleotide position 668. The aspartic acid at codon 223 is replaced by glycine, an amino acid with similar properties. This amino acid position is highly conserved in available vertebrate species. In addition, this alteration is predicted to be deleterious by in silico analysis. Since supporting evidence is limited at this time, the clinical significance of this alteration remains unclear.

Labcorp Genetics (formerly Invitae), Labcorp
Classification: Uncertain significance for Tuberous sclerosis 2. Last evaluated: 2022-04-15. Review status: criteria provided, single submitter. Criteria: Invitae Variant Classification Sherloc (09022015). Collection method: clinical testing. Allele origin: germline.
Comment: In summary, the available evidence is currently insufficient to determine the role of this variant in disease. Therefore, it has been classified as a Variant of Uncertain Significance. Advanced modeling of protein sequence and biophysical properties (such as structural, functional, and spatial information, amino acid conservation, physicochemical variation, residue mobility, and thermodynamic stability) performed at Invitae indicates that this missense variant is not expected to disrupt TSC2 protein function. This variant has not been reported in the literature in individuals affected with TSC2-related conditions. This variant is not present in population databases (gnomAD no frequency). This sequence change replaces aspartic acid, which is acidic and polar, with glycine, which is neutral and non-polar, at codon 223 of the TSC2 protein (p.Asp223Gly).